The following is an entry in ClinVar:

NM_000553.6(WRN):c.394G>A (p.Ala132Thr)

Gene: WRN (WRN RecQ like helicase; plus strand). Cytogenetic location: 8p12.
Variant type: single nucleotide variant.
Coding change: c.394G>A on transcript NM_000553.6 (MANE Select); coding-DNA position 394, G replaced by A.
Protein change: p.Ala132Thr; replaces alanine 132 with threonine.
Molecular consequence: missense variant.
Genome position (GRCh38, 1-based): chr8:31,064,953, G>A. VCF-style: chr8-31064953-G-A. GRCh37 (hg19) VCF-style: chr8-30922469-G-A.
Other names: short protein forms A132T.
Identifiers: ClinVar variation 458472 (VCV000458472.10), dbSNP rs951969651, ClinGen allele CA174842970.

ClinVar aggregate classification (germline): Uncertain significance. Review status: criteria provided, multiple submitters, no conflicts (2 of 4 stars). 2 submissions from 2 submitters: Uncertain significance (2). Last evaluated 2024-11-11.

Conditions:
Werner syndrome (WRN). Identifiers: Orphanet 902, MedGen C0043119, MONDO:0010196, OMIM 277700.

Allele frequency attached by ClinVar (database versions not stated): TOPMed below 0.00001; gnomAD 0.00001.
gnomAD v4.1: 9 of 1,613,644 alleles (0.00056%); highest among the groups gnomAD compares: Admixed American, 0.0017%; no homozygotes.

Submissions (2):

Labcorp Genetics (formerly Invitae), Labcorp
Classification: Uncertain significance for Werner syndrome. Last evaluated: 2024-11-11. Review status: criteria provided, single submitter. Criteria: Invitae Variant Classification Sherloc (09022015). Collection method: clinical testing. Allele origin: germline.
Comment: This sequence change replaces alanine, which is neutral and non-polar, with threonine, which is neutral and polar, at codon 132 of the WRN protein (p.Ala132Thr). This variant is not present in population databases (gnomAD no frequency). This variant has not been reported in the literature in individuals affected with WRN-related conditions. ClinVar contains an entry for this variant (Variation ID: 458472). An algorithm developed to predict the effect of missense changes on protein structure and function outputs the following: PolyPhen-2: "Benign". The threonine amino acid residue is found in multiple mammalian species, which suggests that this missense change does not adversely affect protein function. In summary, the available evidence is currently insufficient to determine the role of this variant in disease. Therefore, it has been classified as a Variant of Uncertain Significance.

Revvity Omics, Revvity
Classification: Uncertain significance for Werner syndrome. Last evaluated: 2020-04-03. Review status: criteria provided, single submitter. Criteria: ACMG Guidelines, 2015. Collection method: clinical testing. Allele origin: germline.